The following is an entry in ClinVar:

ClinVar aggregate classification (germline): Uncertain significance (1 of 4 stars; one submission).

Conditions:
Hereditary cancer-predisposing syndrome. Also called: Neoplastic Syndromes, Hereditary; Tumor predisposition; Hereditary Cancer Syndrome; Hereditary neoplastic syndrome. Identifiers: Orphanet 140162, MedGen C0027672, MeSH D009386, MONDO:0015356.

Submission:

Ambry Genetics
Classification: Uncertain significance for Hereditary cancer-predisposing syndrome. Last evaluated: 2018-04-22. Review status: criteria provided, single submitter. Criteria: Ambry Variant Classification Scheme 2023. Collection method: clinical testing. Allele origin: germline.
Comment: The p.E1254D variant (also known as c.3762A>C), located in coding exon 8 of the MSH6 gene, results from an A to C substitution at nucleotide position 3762. The glutamic acid at codon 1254 is replaced by aspartic acid, an amino acid with highly similar properties. This amino acid position is well conserved in available vertebrate species. In addition, the in silico prediction for this alteration is inconclusive. In addition, the CoDP in silico tool predicts this alteration to have a minor impact on molecular function, with a score of 0.027, and this alteration is predicted neutral by the PON-MMR in silico tool (Terui H et al. J. Biomed. Sci. 2013 Apr;20:25; Ali H et. al. Hum. Mutat. 2012 Apr;33:642-50). Since supporting evidence is limited at this time, the clinical significance of this alteration remains unclear.

Literature cited by the submitters: PubMed 22290698.

NM_000179.3(MSH6):c.3762A>C (p.Glu1254Asp)

Gene: MSH6 (mutS homolog 6; plus strand). Cytogenetic location: 2p16.3.
Variant type: single nucleotide variant.
Coding change: c.3762A>C on transcript NM_000179.3 (MANE Select); coding-DNA position 3762, A replaced by C.
Protein change: p.Glu1254Asp; replaces glutamic acid 1254 with aspartic acid.
Molecular consequence: missense variant.
Genome position (GRCh38, 1-based): chr2:47,806,319, A>C. VCF-style: chr2-47806319-A-C. GRCh37 (hg19) VCF-style: chr2-48033458-A-C.
Other names: c.3372A>C, p.Glu1124Asp (NM_001281492.2); c.2856A>C, p.Glu952Asp (NM_001281493.2, NM_001281494.2, NM_001406823.1 and 6 more transcripts); c.3858A>C, p.Glu1286Asp (NM_001406795.1, NM_001406802.1); c.3762A>C, p.Glu1254Asp (NM_001406796.1, NM_001406800.1, NM_001406808.1 and 1 more transcripts); c.3465A>C, p.Glu1155Asp (NM_001406797.1, NM_001406801.1, NM_001406805.1 and 10 more transcripts); c.3588A>C, p.Glu1196Asp (NM_001406798.1); c.3237A>C, p.Glu1079Asp (NM_001406799.1, NM_001406806.1, NM_001406807.1); c.2898A>C, p.Glu966Asp (NM_001406803.1); and 7 more; short protein forms E1155D, E1198D, E203D, E732D, E952D, E1256D, E1286D, E181D.
Identifiers: ClinVar variation 1734684 (VCV001734684.2), dbSNP rs375459388, ClinGen allele CA346761105.